The following is an entry in ClinVar:

NM_025132.4(WDR19):c.906C>G (p.Asp302Glu)

Gene: WDR19 (WD repeat domain 19; plus strand). Cytogenetic location: 4p14.
Variant type: single nucleotide variant.
Coding change: c.906C>G on transcript NM_025132.4 (MANE Select); coding-DNA position 906, C replaced by G.
Protein change: p.Asp302Glu; replaces aspartic acid 302 with glutamic acid.
Molecular consequence: missense variant.
Genome position (GRCh38, 1-based): chr4:39,214,616, C>G. VCF-style: chr4-39214616-C-G. GRCh37 (hg19) VCF-style: chr4-39216236-C-G.
Other names: c.426C>G, p.Asp142Glu (NM_001317924.2); short protein forms D142E, D302E.
Identifiers: ClinVar variation 846681 (VCV000846681.9), dbSNP rs763697118, ClinGen allele CA2891741.

ClinVar aggregate classification (germline): Uncertain significance (1 of 4 stars; one submission).

Conditions:
Asphyxiating thoracic dystrophy 5 (SRTD5). Also called: SHORT-RIB THORACIC DYSPLASIA 5 WITH OR WITHOUT POLYDACTYLY; SHORT-RIB THORACIC DYSPLASIA 5 WITHOUT POLYDACTYLY. Identifiers: Orphanet 474, MedGen C3280598, MONDO:0013717, OMIM 614376.
Senior-Loken syndrome 8 (SLSN8). Identifiers: Orphanet 3156, MedGen C4225376, MONDO:0014579, OMIM 616307.

Allele frequency attached by ClinVar (database versions not stated): TOPMed below 0.00001; ExAC 0.00001; gnomAD 0.00001.
gnomAD v4.1: 4 of 1,568,860 alleles (0.00025%); highest among the groups gnomAD compares: Non-Finnish European, 0.00035%; no homozygotes.

Submission:

Labcorp Genetics (formerly Invitae), Labcorp
Classification: Uncertain significance for Senior-Loken syndrome 8; Asphyxiating thoracic dystrophy 5. Last evaluated: 2019-11-18. Review status: criteria provided, single submitter. Criteria: Invitae Variant Classification Sherloc (09022015). Collection method: clinical testing. Allele origin: germline.
Comment: In summary, the available evidence is currently insufficient to determine the role of this variant in disease. Therefore, it has been classified as a Variant of Uncertain Significance. Algorithms developed to predict the effect of missense changes on protein structure and function (SIFT, PolyPhen-2, Align-GVGD) all suggest that this variant is likely to be tolerated, but these predictions have not been confirmed by published functional studies and their clinical significance is uncertain. This variant has not been reported in the literature in individuals with WDR19-related conditions. The frequency data for this variant in the population databases is considered unreliable, as metrics indicate poor data quality at this position in the ExAC database. This sequence change replaces aspartic acid with glutamic acid at codon 302 of the WDR19 protein (p.Asp302Glu). The aspartic acid residue is highly conserved and there is a small physicochemical difference between aspartic acid and glutamic acid.